The following is an entry in ClinVar:

NM_001040108.2(MLH3):c.511G>A (p.Val171Ile)

Gene: MLH3 (mutL homolog 3; minus strand). Cytogenetic location: 14q24.3.
Variant type: single nucleotide variant.
Coding change: c.511G>A on transcript NM_001040108.2 (MANE Select); coding-DNA position 511, G replaced by A.
Protein change: p.Val171Ile; replaces valine 171 with isoleucine.
Molecular consequence: missense variant.
Genome position (GRCh38, 1-based): chr14:75,049,145, C>T on the plus strand (G>A on the coding strand, the complement: MLH3 is on the minus strand). VCF-style: chr14-75049145-C-T. GRCh37 (hg19) VCF-style: chr14-75515848-C-T.
Other names: c.511G>A, p.Val171Ile (NM_014381.3); short protein forms V171I.
Identifiers: ClinVar variation 4860168 (VCV004860168.1).
Genomic context (GRCh38, chr14:75,049,145, plus strand): 5'-TTCTCAAAGAGAAAGAAATGGAAGGGTGCATGAGTGAGAGAGCTTCTATTCTCTGCCTAA[C>T]CTTCTCAAACTCCAGTCTAGGGTCCATGCATTTCCTCCTTACAGGAAGCTGGTAAAATAG-3'
Protein context (NP_001035197.1, residues 161-181): CMDPRLEFEK[Val171Ile]RQRIEALSLM

ClinVar aggregate classification (germline): Uncertain significance (1 of 4 stars; one submission).

Submission:

Ambry Genetics
Classification: Uncertain significance. Last evaluated: 2026-03-23. Review status: criteria provided, single submitter. Criteria: Ambry Variant Classification Scheme 2023. Collection method: clinical testing. Allele origin: germline.
Comment: The p.V171I variant (also known as c.511G>A), located in coding exon 1 of the MLH3 gene, results from a G to A substitution at nucleotide position 511. The valine at codon 171 is replaced by isoleucine, an amino acid with highly similar properties. This amino acid position is conserved. In addition, this alteration is predicted to be tolerated by in silico analysis. Based on the available evidence, the clinical significance of this variant remains unclear.